The following is an entry in ClinVar:

ClinVar aggregate classification (germline): Uncertain significance (1 of 4 stars; one submission).

Allele frequency attached by ClinVar (database versions not stated): gnomAD exomes below 0.00001.
gnomAD v4.1: 3 of 1,614,088 alleles (0.00019%); highest among the groups gnomAD compares: South Asian, 0.0011%; no homozygotes.

Submission:

Labcorp Genetics (formerly Invitae), Labcorp
Classification: Uncertain significance. Last evaluated: 2022-11-15. Review status: criteria provided, single submitter. Criteria: Invitae Variant Classification Sherloc (09022015). Collection method: clinical testing. Allele origin: germline.
Comment: This sequence change replaces glycine, which is neutral and non-polar, with alanine, which is neutral and non-polar, at codon 1452 of the CCDC88A protein (p.Gly1452Ala). This variant is not present in population databases (gnomAD no frequency). This variant has not been reported in the literature in individuals affected with CCDC88A-related conditions. Algorithms developed to predict the effect of missense changes on protein structure and function (SIFT, PolyPhen-2, Align-GVGD) all suggest that this variant is likely to be tolerated. In summary, the available evidence is currently insufficient to determine the role of this variant in disease. Therefore, it has been classified as a Variant of Uncertain Significance.

NM_001365480.1(CCDC88A):c.4358G>C (p.Gly1453Ala)

Gene: CCDC88A (coiled-coil and HOOK domain protein 88A; minus strand). Cytogenetic location: 2p16.1.
Variant type: single nucleotide variant.
Coding change: c.4358G>C on transcript NM_001365480.1 (MANE Select); coding-DNA position 4358, G replaced by C.
Protein change: p.Gly1453Ala; replaces glycine 1453 with alanine.
Molecular consequence: missense variant.
Genome position (GRCh38, 1-based): chr2:55,308,838, C>G on the plus strand (G>C on the coding strand, the complement: CCDC88A is on the minus strand). VCF-style: chr2-55308838-C-G. GRCh37 (hg19) VCF-style: chr2-55535974-C-G.
Other names: c.4355G>C, p.Gly1452Ala (NM_001135597.2, NM_001254943.2); c.4358G>C, p.Gly1453Ala (NM_018084.5); short protein forms G1452A, G1453A.
Identifiers: ClinVar variation 2095509 (VCV002095509.4), dbSNP rs2544752198, ClinGen allele CA346884388.